The following is an entry in ClinVar:

NM_004369.4(COL6A3):c.8609C>T (p.Pro2870Leu)

Gene: COL6A3 (collagen type VI alpha 3 chain; minus strand). Cytogenetic location: 2q37.3.
Variant type: single nucleotide variant.
Coding change: c.8609C>T on transcript NM_004369.4 (MANE Select); coding-DNA position 8609, C replaced by T.
Protein change: p.Pro2870Leu; replaces proline 2870 with leucine.
Molecular consequence: missense variant.
Genome position (GRCh38, 1-based): chr2:237,336,491, G>A on the plus strand (C>T on the coding strand, the complement: COL6A3 is on the minus strand). VCF-style: chr2-237336491-G-A. GRCh37 (hg19) VCF-style: chr2-238245134-G-A.
Other names: c.6788C>T, p.Pro2263Leu (NM_057166.5); c.7991C>T, p.Pro2664Leu (NM_057167.4); short protein forms P2263L, P2664L, P2870L.
Identifiers: ClinVar variation 4744979 (VCV004744979.1).

ClinVar aggregate classification (germline): Uncertain significance (1 of 4 stars; one submission).

Conditions:
Bethlem myopathy 1A. Also called: MYOPATHY, BENIGN CONGENITAL, WITH CONTRACTURES; Bethlem myopathy 1; Bethlem Muscular Dystrophy. Identifiers: Orphanet 610, MedGen CN029274, MONDO:0024530, OMIM 158810.

Submission:

Labcorp Genetics (formerly Invitae), Labcorp
Classification: Uncertain significance for Bethlem myopathy 1A. Last evaluated: 2025-07-08. Review status: criteria provided, single submitter. Criteria: Invitae Variant Classification Sherloc (09022015). Collection method: clinical testing. Allele origin: germline.
Comment: This sequence change replaces proline, which is neutral and non-polar, with leucine, which is neutral and non-polar, at codon 2870 of the COL6A3 protein (p.Pro2870Leu). This variant is not present in population databases (gnomAD no frequency). This variant has not been reported in the literature in individuals affected with COL6A3-related conditions. Invitae Evidence Modeling of protein sequence and biophysical properties (such as structural, functional, and spatial information, amino acid conservation, physicochemical variation, residue mobility, and thermodynamic stability) indicates that this missense variant is not expected to disrupt COL6A3 protein function with a negative predictive value of 80%. In summary, the available evidence is currently insufficient to determine the role of this variant in disease. Therefore, it has been classified as a Variant of Uncertain Significance.